The following is an entry in ClinVar:

NM_006514.4(SCN10A):c.1601G>C (p.Arg534Pro)

Gene: SCN10A (sodium voltage-gated channel alpha subunit 10; minus strand). Cytogenetic location: 3p22.2.
Variant type: single nucleotide variant.
Coding change: c.1601G>C on transcript NM_006514.4 (MANE Select); coding-DNA position 1601, G replaced by C.
Protein change: p.Arg534Pro; replaces arginine 534 with proline.
Molecular consequence: missense variant. On other transcripts: intron variant (1).
Genome position (GRCh38, 1-based): chr3:38,752,373, C>G on the plus strand (G>C on the coding strand, the complement: SCN10A is on the minus strand). VCF-style: chr3-38752373-C-G. GRCh37 (hg19) VCF-style: chr3-38793864-C-G.
Other names: c.1601G>C, p.Arg534Pro (NM_001293306.2); c.1462-2189G>C (NM_001293307.2); short protein forms R534P.
Identifiers: ClinVar variation 1302062 (VCV001302062.2), dbSNP rs147246725, ClinGen allele CA2320800.

ClinVar aggregate classification (germline): Uncertain significance (1 of 4 stars; one submission).

gnomAD v4.1: 4 of 1,613,938 alleles (0.00025%); highest among the groups gnomAD compares: Non-Finnish European, 0.00034%; no homozygotes.

Submission:

GeneDx
Classification: Uncertain significance. Last evaluated: 2019-07-26. Review status: criteria provided, single submitter. Criteria: GeneDx Variant Classification Process June 2021. Collection method: clinical testing. Allele origin: germline. Affected: yes.
Comment: Has not been previously published as pathogenic or benign to our knowledge; Not observed at a significant frequency in large population cohorts (Lek et al., 2016); In silico analysis, which includes protein predictors and evolutionary conservation, supports a deleterious effect